The following is an entry in ClinVar:

ClinVar aggregate classification (germline): Uncertain significance. Review status: criteria provided, multiple submitters, no conflicts (2 of 4 stars). 2 submissions from 2 submitters: Uncertain significance (2). Last evaluated 2025-03-26.

Allele frequency attached by ClinVar (database versions not stated): gnomAD exomes below 0.00001; gnomAD 0.00001; TOPMed 0.00001.
gnomAD v4.1: 2 of 1,614,048 alleles (0.00012%); highest among the groups gnomAD compares: African/African-American, 0.0013%; no homozygotes.

Submissions (2):

Labcorp Genetics (formerly Invitae), Labcorp
Classification: Uncertain significance. Last evaluated: 2025-03-26. Review status: criteria provided, single submitter. Criteria: Invitae Variant Classification Sherloc (09022015). Collection method: clinical testing. Allele origin: germline.
Comment: This sequence change replaces glycine, which is neutral and non-polar, with glutamic acid, which is acidic and polar, at codon 847 of the NPAT protein (p.Gly847Glu). This variant is not present in population databases (gnomAD no frequency). This variant has not been reported in the literature in individuals affected with NPAT-related conditions. ClinVar contains an entry for this variant (Variation ID: 1792817). An algorithm developed to predict the effect of missense changes on protein structure and function (PolyPhen-2) suggests that this variant is likely to be disruptive. In summary, the available evidence is currently insufficient to determine the role of this variant in disease. Therefore, it has been classified as a Variant of Uncertain Significance.

Ambry Genetics
Classification: Uncertain significance. Last evaluated: 2022-10-11. Review status: criteria provided, single submitter. Criteria: Ambry Variant Classification Scheme 2023. Collection method: clinical testing. Allele origin: germline.
Comment: The p.G847E variant (also known as c.2540G>A), located in coding exon 13 of the NPAT gene, results from a G to A substitution at nucleotide position 2540. The glycine at codon 847 is replaced by glutamic acid, an amino acid with similar properties. This amino acid position is conserved. In addition, this alteration is predicted to be tolerated by in silico analysis. Since supporting evidence is limited at this time, the clinical significance of this alteration remains unclear.

NM_002519.3(NPAT):c.2540G>A (p.Gly847Glu)

Gene: NPAT (nuclear protein, coactivator of histone transcription; minus strand). Cytogenetic location: 11q22.3.
Variant type: single nucleotide variant.
Coding change: c.2540G>A on transcript NM_002519.3 (MANE Select); coding-DNA position 2540, G replaced by A.
Protein change: p.Gly847Glu; replaces glycine 847 with glutamic acid.
Molecular consequence: missense variant.
Genome position (GRCh38, 1-based): chr11:108,172,444, C>T on the plus strand (G>A on the coding strand, the complement: NPAT is on the minus strand). VCF-style: chr11-108172444-C-T. GRCh37 (hg19) VCF-style: chr11-108043171-C-T.
Other names: c.2540G>A, p.Gly847Glu (NM_001321307.1); short protein forms G847E.
Identifiers: ClinVar variation 1792817 (VCV001792817.7), dbSNP rs1179432972, ClinGen allele CA382512759.